The following is an entry in ClinVar:

ClinVar aggregate classification (germline): Uncertain significance (1 of 4 stars; one submission).

Submission:

Labcorp Genetics (formerly Invitae), Labcorp
Classification: Uncertain significance. Last evaluated: 2023-01-24. Review status: criteria provided, single submitter. Criteria: Invitae Variant Classification Sherloc (09022015). Collection method: clinical testing. Allele origin: germline.
Comment: In summary, the available evidence is currently insufficient to determine the role of this variant in disease. Therefore, it has been classified as a Variant of Uncertain Significance. Experimental studies and prediction algorithms are not available or were not evaluated, and the functional significance of this variant is currently unknown. This variant has not been reported in the literature in individuals affected with PCGF2-related conditions. This variant is not present in population databases (gnomAD no frequency). This sequence change creates a premature translational stop signal (p.Arg331Alafs*3) in the PCGF2 gene. While this is not anticipated to result in nonsense mediated decay, it is expected to disrupt the last 14 amino acid(s) of the PCGF2 protein.

NM_007144.3(PCGF2):c.990del (p.Arg331fs)

Genes: CISD3 (CDGSH iron sulfur domain 3; plus strand), PCGF2 (polycomb group ring finger 2; minus strand). Cytogenetic location: 17q12.
Variant type: Deletion.
Coding change: c.990del on transcript NM_007144.3 (MANE Select); coding-DNA position 990, one base deleted (G; older notation c.990delG).
Protein change: p.Arg331fs; shifts the reading frame from arginine 331.
Molecular consequence: frameshift variant. On other transcripts: 3 prime UTR variant (1).
Genome position (GRCh38, 1-based): chr17:38,735,268, C deleted on the plus strand (G on the coding strand, the reverse complement: PCGF2 is on the minus strand); the first of 5 consecutive C bases (chr17:38,735,268-38,735,272); deleting any one gives the same sequence. VCF-style (leftmost placement, unchanged base first): chr17-38735267-GC-G. GRCh37 (hg19) VCF-style: chr17-36891520-GC-G.
Other names: c.*1817del (NM_001136498.2); c.990del, p.Arg331fs (NM_001369614.1, NM_001369615.1); short protein forms R331fs.
Identifiers: ClinVar variation 3004541 (VCV003004541.3), dbSNP rs1329541741, ClinGen allele CA771793933.
Genomic context (GRCh38, chr17:38,735,267, plus strand): 5'-GAGAGGGTCCCTGGCCTCAAGTTAAGGGGGGCACGGGAGCGCCGTTGACAGTCATCTTGC[GC>G]CCCCTGCTGGTGGAGGATGGTGTCTGCAGGCAGTTCAAGCTACCCCCGTTGGCAGCTGTG-3'